The following is an entry in ClinVar:

ClinVar aggregate classification (germline): Uncertain significance. Review status: criteria provided, multiple submitters, no conflicts (2 of 4 stars). 2 submissions from 2 submitters: Uncertain significance (2). Last evaluated 2024-12-11.

Allele frequency attached by ClinVar (database versions not stated): gnomAD 0.00001.
gnomAD v4.1: 1 of 1,614,098 alleles (0.000062%); highest among the groups gnomAD compares: Non-Finnish European, 0.000085%; no homozygotes.

Submissions (2):

GeneDx
Classification: Uncertain significance. Last evaluated: 2024-12-11. Review status: criteria provided, single submitter. Criteria: GeneDx Variant Classification Process June 2021. Collection method: clinical testing. Allele origin: germline. Affected: yes.
Comment: Not observed at significant frequency in large population cohorts (gnomAD); In silico analysis indicates that this missense variant does not alter protein structure/function; Has not been previously published as pathogenic or benign to our knowledge; This variant is associated with the following publications: (PMID: 26100331, 25609763, 25512093)

Revvity Omics, Revvity
Classification: Uncertain significance. Last evaluated: 2022-11-11. Review status: criteria provided, single submitter. Criteria: ACMG Guidelines, 2015. Collection method: clinical testing. Allele origin: germline.

NM_001376.5(DYNC1H1):c.13888G>A (p.Glu4630Lys)

Gene: DYNC1H1 (dynein cytoplasmic 1 heavy chain 1; plus strand). Cytogenetic location: 14q32.31.
Variant type: single nucleotide variant.
Coding change: c.13888G>A on transcript NM_001376.5 (MANE Select); coding-DNA position 13888, G replaced by A.
Protein change: p.Glu4630Lys; replaces glutamic acid 4630 with lysine.
Molecular consequence: missense variant.
Genome position (GRCh38, 1-based): chr14:102,050,510, G>A. VCF-style: chr14-102050510-G-A. GRCh37 (hg19) VCF-style: chr14-102516847-G-A.
Other names: short protein forms E4630K.
Identifiers: ClinVar variation 2441069 (VCV002441069.4), dbSNP rs910511556, ClinGen allele CA266990458.